The following is an entry in ClinVar:

ClinVar aggregate classification (germline): Uncertain significance (1 of 4 stars; one submission).

Conditions:
Autosomal dominant nonsyndromic hearing loss 17. Also called: Autosomal dominant nonsyndromic deafness 17; Deafness, autosomal dominant 17. Identifiers: Orphanet 90635, MedGen C1863659, MONDO:0011350, OMIM 603622.

Submission:

Victorian Clinical Genetics Services, Murdoch Childrens Research Institute
Classification: Uncertain significance for Autosomal dominant nonsyndromic hearing loss 17. Last evaluated: 2020-05-21. Review status: criteria provided, single submitter. Criteria: ACMG Guidelines, 2015. Collection method: clinical testing. Allele origin: germline. Inheritance: Autosomal dominant inheritance.
Comment: Based on the classification scheme VCGS_Germline_v1.1.1, this variant is classified as 3C-VUS. Following criteria are met: 0102 - Loss-of-function is a known mechanism of disease for this gene. (N) 0104 - Dominant Negative is a mechanism of disease for this gene. (N) 0107 - This gene is known to be associated with autosomal dominant disease. (N) 0200 - Variant is predicted to result in a missense amino acid change from glutamic acid to lysine (exon 26). (N) 0251 - Variant is heterozygous. (N) 0301 - Variant is absent from gnomAD. (P) 0502 - Missense variant with conflicting in-silico predictions and/or uninformative conservation. (N) 0600 - Variant is located in an annotated domain or motif (Myosin tail; Decipher). (N) 0705 - No comparable variants have previous evidence for pathogenicity. (N) 0807 - Variant has not previously been reported in a clinical context. (N) 0905 - No segregation evidence has been identified for this variant. (N) 1007 - No published functional evidence has been identified for this variant. (N) Legend: (P) - Pathogenic, (N) - Neutral, (B) - Benign

NM_002473.6(MYH9):c.3277G>A (p.Glu1093Lys)

Gene: MYH9 (myosin heavy chain 9; minus strand). Cytogenetic location: 22q12.3.
Variant type: single nucleotide variant.
Coding change: c.3277G>A on transcript NM_002473.6 (MANE Select); coding-DNA position 3277, G replaced by A.
Protein change: p.Glu1093Lys; replaces glutamic acid 1093 with lysine.
Molecular consequence: missense variant.
Genome position (GRCh38, 1-based): chr22:36,295,713, C>T on the plus strand (G>A on the coding strand, the complement: MYH9 is on the minus strand). VCF-style: chr22-36295713-C-T. GRCh37 (hg19) VCF-style: chr22-36691759-C-T.
Other names: short protein forms E1093K.
Identifiers: ClinVar variation 1699004 (VCV001699004.3), dbSNP rs2146338775, ClinGen allele CA411389133.